The following is an entry in ClinVar:

NM_001277313.2(FMN1):c.2044-1579G>A

Gene: FMN1 (formin 1; minus strand). Cytogenetic location: 15q13.3.
Variant type: single nucleotide variant.
Coding change: c.2044-1579G>A on transcript NM_001277313.2 (MANE Select); 1579 bases into the intron before coding-DNA position 2044, G replaced by A.
Molecular consequence: intron variant. On other transcripts: missense variant (1).
Genome position (GRCh38, 1-based): chr15:33,066,653, C>T on the plus strand (G>A on the coding strand, the complement: FMN1 is on the minus strand). VCF-style: chr15-33066653-C-T. GRCh37 (hg19) VCF-style: chr15-33358854-C-T.
Other names: c.1232G>A, p.Arg411Gln (NM_001103184.4); c.1232G>A (NM_001103184.2); short protein forms R411Q.
Identifiers: ClinVar variation 593783 (VCV000593783.10), dbSNP rs369308582, ClinGen allele CA7457151.

ClinVar aggregate classification (germline): Uncertain significance. Review status: criteria provided, multiple submitters, no conflicts (2 of 4 stars). 3 submissions from 3 submitters: Uncertain significance (3). Last evaluated 2023-08-24.

Allele frequency attached by ClinVar (database versions not stated): TOPMed 0.00003; ESP Exome Variant Server 0.00016.
gnomAD v4.1: 39 of 1,613,528 alleles (0.0024%); highest among the groups gnomAD compares: South Asian, 0.0099%; no homozygotes.

Submissions (3):

Labcorp Genetics (formerly Invitae), Labcorp
Classification: Uncertain significance. Last evaluated: 2023-08-24. Review status: criteria provided, single submitter. Criteria: Invitae Variant Classification Sherloc (09022015). Collection method: clinical testing. Allele origin: germline.
Comment: This sequence change replaces arginine, which is basic and polar, with glutamine, which is neutral and polar, at codon 411 of the FMN1 protein (p.Arg411Gln). This variant is present in population databases (rs369308582, gnomAD 0.02%). In summary, the available evidence is currently insufficient to determine the role of this variant in disease. Therefore, it has been classified as a Variant of Uncertain Significance. Experimental studies and prediction algorithms are not available or were not evaluated, and the functional significance of this variant is currently unknown. ClinVar contains an entry for this variant (Variation ID: 593783). This variant has not been reported in the literature in individuals affected with FMN1-related conditions.

Ambry Genetics
Classification: Uncertain significance. Last evaluated: 2022-10-31. Review status: criteria provided, single submitter. Criteria: Ambry Variant Classification Scheme 2023. Collection method: clinical testing. Allele origin: germline.

Eurofins Ntd Llc (ga)
Classification: Uncertain significance. Last evaluated: 2017-09-07. Review status: criteria provided, single submitter. Criteria: EGL Classification Definitions 2015. Collection method: clinical testing. Allele origin: germline. Observed: 1 variant allele, 1 heterozygote.